The following is an entry in ClinVar:

ClinVar aggregate classification (germline): Conflicting classifications of pathogenicity. Review status: criteria provided, conflicting classifications (1 of 4 stars). 2 submissions from 2 submitters: Uncertain significance (1); Likely benign (1). Last evaluated 2023-03-23.

Conditions:
Hereditary cancer-predisposing syndrome. Also called: Tumor predisposition; Hereditary neoplastic syndrome; Neoplastic Syndromes, Hereditary; Hereditary Cancer Syndrome. Identifiers: Orphanet 140162, MedGen C0027672, MeSH D009386, MONDO:0015356.
Hereditary breast ovarian cancer syndrome. Also called: BRCA1- and BRCA2-Associated Hereditary Breast and Ovarian Cancer; Hereditary breast and ovarian cancer; Hereditary breast and/or ovarian cancer syndrome; Hereditary breast and ovarian cancer syndrome; Hereditary breast and ovarian cancer syndrome (HBOC); Breast and ovarian cancer. Identifiers: Orphanet 145, MedGen C0677776, MeSH D061325, MONDO:0003582. Disease mechanism: loss of function.

Submissions (2):

University of Washington Department of Laboratory Medicine, University of Washington
Classification: Likely benign for Hereditary cancer-predisposing syndrome. Last evaluated: 2023-03-23. Review status: criteria provided, single submitter. Criteria: Dines et al. (Genet Med. 2020). Collection method: curation. Allele origin: germline.
Comment: Missense variant in a coldspot region where missense variants are very unlikely to be pathogenic (PMID:31911673).

BRCA2 exon 11 coldspot. Reclassification based on statistical prior probability.

Labcorp Genetics (formerly Invitae), Labcorp
Classification: Uncertain significance for Hereditary breast ovarian cancer syndrome. Last evaluated: 2021-10-10. Review status: criteria provided, single submitter. Criteria: Invitae Variant Classification Sherloc (09022015). Collection method: clinical testing. Allele origin: germline.
Comment: In summary, the available evidence is currently insufficient to determine the role of this variant in disease. Therefore, it has been classified as a Variant of Uncertain Significance. Advanced modeling of protein sequence and biophysical properties (such as structural, functional, and spatial information, amino acid conservation, physicochemical variation, residue mobility, and thermodynamic stability) performed at Invitae indicates that this missense variant is not expected to disrupt BRCA2 protein function. This variant has not been reported in the literature in individuals affected with BRCA2-related conditions. This variant is not present in population databases (ExAC no frequency). This sequence change replaces glutamic acid with alanine at codon 2089 of the BRCA2 protein (p.Glu2089Ala). The glutamic acid residue is moderately conserved and there is a moderate physicochemical difference between glutamic acid and alanine.

NM_000059.4(BRCA2):c.6266A>C (p.Glu2089Ala)

Gene: BRCA2 (BRCA2 DNA repair associated; plus strand). Cytogenetic location: 13q13.1.
Variant type: single nucleotide variant.
Coding change: c.6266A>C on transcript NM_000059.4 (MANE Select); coding-DNA position 6266, A replaced by C.
Protein change: p.Glu2089Ala; replaces glutamic acid 2089 with alanine.
Molecular consequence: missense variant.
Genome position (GRCh38, 1-based): chr13:32,340,621, A>C. VCF-style: chr13-32340621-A-C. GRCh37 (hg19) VCF-style: chr13-32914758-A-C.
Other names: short protein forms E2089A.
Identifiers: ClinVar variation 1495794 (VCV001495794.7), dbSNP rs2137525811, ClinGen allele CA387788960.